The following is an entry in ClinVar:

ClinVar aggregate classification (germline): Likely benign (0 of 4 stars; one submission).

Conditions:
PKD1L1-related disorder. Also called: PKD1L1-related condition.

Allele frequency attached by ClinVar (database versions not stated): gnomAD exomes 0.00001; ExAC 0.00004; gnomAD 0.00005; ESP Exome Variant Server 0.00008; TOPMed 0.00009.
gnomAD v4.1: 29 of 1,613,938 alleles (0.0018%); highest among the groups gnomAD compares: African/African-American, 0.02%; no homozygotes.

Submission:

PreventionGenetics, part of Exact Sciences
Classification: Likely benign for PKD1L1-related condition. Last evaluated: 2019-10-28. Review status: no assertion criteria provided. Collection method: clinical testing. Allele origin: germline.
Comment: This variant is classified as likely benign based on ACMG/AMP sequence variant interpretation guidelines (Richards et al. 2015 PMID: 25741868, with internal and published modifications).

NM_138295.5(PKD1L1):c.1791G>A (p.Thr597=)

Gene: PKD1L1 (polycystin 1 like 1, transient receptor potential channel interacting; minus strand). Cytogenetic location: 7p12.3.
Variant type: single nucleotide variant.
Coding change: c.1791G>A on transcript NM_138295.5 (MANE Select); coding-DNA position 1791, G replaced by A.
Protein change: p.Thr597=; no amino-acid change (threonine 597 retained).
Molecular consequence: synonymous variant.
Genome position (GRCh38, 1-based): chr7:47,904,518, C>T on the plus strand (G>A on the coding strand, the complement: PKD1L1 is on the minus strand). VCF-style: chr7-47904518-C-T. GRCh37 (hg19) VCF-style: chr7-47944115-C-T.
Identifiers: ClinVar variation 3040569 (VCV003040569.2), dbSNP rs376845932, ClinGen allele CA4253955.